The following is an entry in ClinVar:

ClinVar aggregate classification (germline): Likely benign. Review status: criteria provided, multiple submitters, no conflicts (2 of 4 stars). 2 submissions from 2 submitters: Likely benign (2). Last evaluated 2025-12-01.

Allele frequency attached by ClinVar (database versions not stated): ExAC 0.00002; TOPMed 0.00004; gnomAD 0.00005; gnomAD exomes 0.00006.
gnomAD v4.1: 90 of 1,614,076 alleles (0.0056%); highest among the groups gnomAD compares: Middle Eastern, 0.016%; no homozygotes.

Submissions (2):

CeGaT Center for Human Genetics Tuebingen
Classification: Likely benign. Last evaluated: 2025-12-01. Review status: criteria provided, single submitter. Criteria: CeGaT Center For Human Genetics Tuebingen Variant Classification Criteria Version 2. Collection method: clinical testing. Allele origin: germline. Affected: yes. Observed: 1 variant allele.
Comment: TMPRSS3: BP4, BP7

Labcorp Genetics (formerly Invitae), Labcorp
Classification: Likely benign. Last evaluated: 2024-03-12. Review status: criteria provided, single submitter. Criteria: Invitae Variant Classification Sherloc (09022015). Collection method: clinical testing. Allele origin: germline.

NM_001256317.3(TMPRSS3):c.288G>A (p.Ser96=)

Gene: TMPRSS3 (transmembrane serine protease 3; minus strand). Cytogenetic location: 21q22.3.
Variant type: single nucleotide variant.
Coding change: c.288G>A on transcript NM_001256317.3 (MANE Select); coding-DNA position 288, G replaced by A.
Protein change: p.Ser96=; no amino-acid change (serine 96 retained).
Molecular consequence: synonymous variant. On other transcripts: 5 prime UTR variant (1).
Genome position (GRCh38, 1-based): chr21:42,388,963, C>T on the plus strand (G>A on the coding strand, the complement: TMPRSS3 is on the minus strand). VCF-style: chr21-42388963-C-T. GRCh37 (hg19) VCF-style: chr21-43809072-C-T.
Other names: c.288G>A, p.Ser96= (NM_024022.4, NM_032405.2); c.-94G>A (NM_032404.3).
Identifiers: ClinVar variation 1915412 (VCV001915412.10), dbSNP rs769959543, ClinGen allele CA10042690.
Genomic context (GRCh38, chr21:42,388,963, plus strand): 5'-CCCCAGGGGAAGAGCCATGACCTTACCACAGCGGTACTCGTCCTCCCCGTCTTTGCAATC[C>T]GAGACTCCGTCACATCGAGCTATCAGCTCGATACACTTAAAGGATGAGCGACATCTGTAC-3'
Protein context (NP_001243246.1, residues 86-106): IELIARCDGV[Ser96=]DCKDGEDEYR